The following is an entry in ClinVar:

ClinVar aggregate classification (germline): Likely pathogenic (1 of 4 stars; one submission).

Conditions:
Familial dysautonomia. Also called: HSAN III; FD. Identifiers: Orphanet 1764, MedGen C0013364, MONDO:0009131, OMIM 223900. Disease mechanism: loss of function.

Submission:

Myriad Genetics, Inc.
Classification: Likely pathogenic for Familial dysautonomia. Last evaluated: 2022-01-02. Review status: criteria provided, single submitter. Criteria: Myriad Women's Health Autosomal Recessive and X-Linked Classification Criteria (2021). Collection method: clinical testing. Allele origin: unknown.
Comment: NM_003640.3(ELP1):c.812delA(N271Mfs*19) is expected to be pathogenic in the context of familial dysautonomia. This variant is predicted to lead to an abnormal or absent protein product due to the creation of a premature termination codon in ELP1, a gene where loss-of-function variants are known to be pathogenic. Please note: this variant was assessed in the context of healthy population screening.

NM_003640.5(ELP1):c.812del (p.Asn271fs)

Gene: ELP1 (elongator acetyltransferase complex subunit 1; minus strand). Cytogenetic location: 9q31.3.
Variant type: Deletion.
Coding change: c.812del on transcript NM_003640.5 (MANE Select); coding-DNA position 812, one base deleted (A; older notation c.812delA).
Protein change: p.Asn271fs; shifts the reading frame from asparagine 271.
Molecular consequence: frameshift variant. On other transcripts: 5 prime UTR variant (1).
Genome position (GRCh38, 1-based): chr9:108,917,599, T deleted on the plus strand (A on the coding strand, the reverse complement: ELP1 is on the minus strand); the first of 5 consecutive T bases (chr9:108,917,599-108,917,603); deleting any one gives the same sequence. VCF-style (leftmost placement, unchanged base first): chr9-108917598-AT-A. GRCh37 (hg19) VCF-style: chr9-111679878-AT-A.
Other names: c.470del, p.Asn157fs (NM_001318360.2); c.-236del (NM_001330749.2); short protein forms N157fs, N271fs.
Identifiers: ClinVar variation 1726800 (VCV001726800.2), dbSNP rs2537939737, ClinGen allele CA2580079512.